The following is an entry in ClinVar:

ClinVar aggregate classification (germline): Uncertain significance (1 of 4 stars; one submission).

Submission:

Labcorp Genetics (formerly Invitae), Labcorp
Classification: Uncertain significance. Last evaluated: 2025-04-07. Review status: criteria provided, single submitter. Criteria: Invitae Variant Classification Sherloc (09022015). Collection method: clinical testing. Allele origin: germline.
Comment: This sequence change replaces alanine, which is neutral and non-polar, with serine, which is neutral and polar, at codon 260 of the GNAT2 protein (p.Ala260Ser). This variant is not present in population databases (gnomAD no frequency). This variant has not been reported in the literature in individuals affected with GNAT2-related conditions. ClinVar contains an entry for this variant (Variation ID: 1053457). Invitae Evidence Modeling of protein sequence and biophysical properties (such as structural, functional, and spatial information, amino acid conservation, physicochemical variation, residue mobility, and thermodynamic stability) indicates that this missense variant is not expected to disrupt GNAT2 protein function with a negative predictive value of 80%. In summary, the available evidence is currently insufficient to determine the role of this variant in disease. Therefore, it has been classified as a Variant of Uncertain Significance.

NM_001377295.2(GNAT2):c.778G>T (p.Ala260Ser)

Gene: GNAT2 (G protein subunit alpha transducin 2; minus strand). Cytogenetic location: 1p13.3.
Variant type: single nucleotide variant.
Coding change: c.778G>T on transcript NM_001377295.2 (MANE Select); coding-DNA position 778, G replaced by T.
Protein change: p.Ala260Ser; replaces alanine 260 with serine.
Molecular consequence: missense variant.
Genome position (GRCh38, 1-based): chr1:109,604,047, C>A on the plus strand (G>T on the coding strand, the complement: GNAT2 is on the minus strand). VCF-style: chr1-109604047-C-A. GRCh37 (hg19) VCF-style: chr1-110146669-C-A.
Other names: c.778G>T, p.Ala260Ser (NM_001379232.1, NM_005272.5); short protein forms A260S.
Identifiers: ClinVar variation 1053457 (VCV001053457.5), dbSNP rs768833008, ClinGen allele CA341534154.